The following is an entry in ClinVar:

NC_000016.10:g.2055492_2070804dup

Gene: TSC2 (TSC complex subunit 2; plus strand).
Variant type: Duplication.
Identifiers: ClinVar variation 848631 (VCV000848631.1).

ClinVar aggregate classification (germline): Likely pathogenic (1 of 4 stars; one submission).

Conditions:
Tuberous sclerosis 2 (TSC2). Identifiers: Orphanet 805, MedGen C1860707, MONDO:0013199, OMIM 613254.

Submission:

Labcorp Genetics (formerly Invitae), Labcorp
Classification: Likely pathogenic for Tuberous sclerosis 2. Last evaluated: 2019-02-18. Review status: criteria provided, single submitter. Criteria: Invitae Variant Classification Sherloc (09022015). Collection method: clinical testing. Allele origin: germline.
Comment: This variant results in a copy number gain of the genomic region encompassing exons 7-17 of the TSC2 gene. While the exact position of this variant cannot be determined from this data, sub-genic copy number gains are generally in tandem (PMID: 25640679) and may result in an absent or disrupted protein product. This variant has not been reported in the literature in individuals with TSC2-related conditions. Loss-of-function variants in TSC2 are known to be pathogenic (PMID: 10205261, 17304050). In summary, the currently available evidence indicates that the variant is pathogenic, but additional data are needed to prove that conclusively. Therefore, this variant has been classified as Likely Pathogenic.